The following is an entry in ClinVar:

ClinVar aggregate classification (germline): Likely benign. Review status: criteria provided, multiple submitters, no conflicts (2 of 4 stars). 3 submissions from 3 submitters: Likely benign (3). Last evaluated 2025-12-19.

Allele frequency attached by ClinVar (database versions not stated): 1000 Genomes Project 30x 0.00016.
gnomAD v4.1: 475 of 1,613,882 alleles (0.029%); highest among the groups gnomAD compares: Middle Eastern, 0.049%; no homozygotes.

Submissions (3):

Labcorp Genetics (formerly Invitae), Labcorp
Classification: Likely benign. Last evaluated: 2025-12-19. Review status: criteria provided, single submitter. Criteria: Invitae Variant Classification Sherloc (09022015). Collection method: clinical testing. Allele origin: germline.

Blueprint Genetics
Classification: Likely benign. Last evaluated: 2024-04-19. Review status: criteria provided, single submitter. Criteria: ACMG Guidelines, 2015. Collection method: clinical testing. Allele origin: germline.

CeGaT Center for Human Genetics Tuebingen
Classification: Likely benign. Last evaluated: 2022-07-01. Review status: criteria provided, single submitter. Criteria: CeGaT Center For Human Genetics Tuebingen Variant Classification Criteria Version 2. Collection method: clinical testing. Allele origin: germline. Affected: yes. Observed: 2 variant alleles.
Comment: DDRGK1: BP4, BP7

NM_023935.3(DDRGK1):c.444C>G (p.Leu148=)

Gene: DDRGK1 (DDRGK domain containing 1; minus strand). Cytogenetic location: 20p13.
Variant type: single nucleotide variant.
Coding change: c.444C>G on transcript NM_023935.3 (MANE Select); coding-DNA position 444, C replaced by G.
Protein change: p.Leu148=; no amino-acid change (leucine 148 retained).
Molecular consequence: synonymous variant.
Genome position (GRCh38, 1-based): chr20:3,200,067, G>C on the plus strand (C>G on the coding strand, the complement: DDRGK1 is on the minus strand). VCF-style: chr20-3200067-G-C. GRCh37 (hg19) VCF-style: chr20-3180713-G-C.
Identifiers: ClinVar variation 2652167 (VCV002652167.28), dbSNP rs41281848, ClinGen allele CA9740931.